The following is an entry in ClinVar:

NM_022167.4(XYLT2):c.2004G>A (p.Pro668=)

Gene: XYLT2 (xylosyltransferase 2; plus strand). Cytogenetic location: 17q21.33.
Variant type: single nucleotide variant.
Coding change: c.2004G>A on transcript NM_022167.4 (MANE Select); coding-DNA position 2004, G replaced by A.
Protein change: p.Pro668=; no amino-acid change (proline 668 retained).
Molecular consequence: synonymous variant.
Genome position (GRCh38, 1-based): chr17:50,358,269, G>A. VCF-style: chr17-50358269-G-A. GRCh37 (hg19) VCF-style: chr17-48435630-G-A.
Identifiers: ClinVar variation 1661133 (VCV001661133.11), dbSNP rs144391872, ClinGen allele CA8646639.

ClinVar aggregate classification (germline): Likely benign. Review status: criteria provided, multiple submitters, no conflicts (2 of 4 stars). 3 submissions from 3 submitters: Likely benign (2). 1 of the submissions does not count toward it. Last evaluated 2025-11-02.

Conditions:
XYLT2-related disorder. Also called: XYLT2-related condition.

Allele frequency attached by ClinVar (database versions not stated): gnomAD exomes 0.00004 and 0.00007; ExAC 0.00010; ESP Exome Variant Server 0.00031; gnomAD 0.00031 and 0.00034; 1000 Genomes Project 0.00040; TOPMed 0.00052; 1000 Genomes Project 30x 0.00062.
gnomAD v4.1: 103 of 1,612,726 alleles (0.0064%); highest among the groups gnomAD compares: African/African-American, 0.087%; no homozygotes.

Submissions (3):

Labcorp Genetics (formerly Invitae), Labcorp
Classification: Likely benign. Last evaluated: 2025-11-02. Review status: criteria provided, single submitter. Criteria: Invitae Variant Classification Sherloc (09022015). Collection method: clinical testing. Allele origin: germline.

Blueprint Genetics
Classification: Likely benign. Last evaluated: 2023-04-03. Review status: criteria provided, single submitter. Criteria: ACMG Guidelines, 2015. Collection method: clinical testing. Allele origin: germline.

PreventionGenetics, part of Exact Sciences
Classification: Likely benign for XYLT2-related condition. Last evaluated: 2019-07-30. Review status: no assertion criteria provided. Collection method: clinical testing. Allele origin: germline. Not counted in ClinVar's aggregate classification.
Comment: This variant is classified as likely benign based on ACMG/AMP sequence variant interpretation guidelines (Richards et al. 2015 PMID: 25741868, with internal and published modifications).